The following is an entry in ClinVar:

ClinVar aggregate classification (germline): Benign/Likely benign. Review status: criteria provided, multiple submitters, no conflicts (2 of 4 stars). 5 submissions from 5 submitters: Benign (2); Likely benign (3). Last evaluated 2026-01-11.

Conditions:
Hereditary cancer-predisposing syndrome. Also called: Tumor predisposition; Hereditary Cancer Syndrome; Hereditary neoplastic syndrome; Neoplastic Syndromes, Hereditary. Identifiers: Orphanet 140162, MedGen C0027672, MeSH D009386, MONDO:0015356.
Tuberous sclerosis 2 (TSC2). Identifiers: Orphanet 805, MedGen C1860707, MONDO:0013199, OMIM 613254.

Allele frequency attached by ClinVar (database versions not stated): gnomAD exomes below 0.00001; gnomAD 0.00001; TOPMed 0.00002.
gnomAD v4.1: 2 of 1,613,006 alleles (0.00012%); highest among the groups gnomAD compares: African/African-American, 0.0013%; no homozygotes.

Submissions (5):

Labcorp Genetics (formerly Invitae), Labcorp
Classification: Likely benign for Tuberous sclerosis 2. Last evaluated: 2026-01-11. Review status: criteria provided, single submitter. Criteria: Invitae Variant Classification Sherloc (09022015). Collection method: clinical testing. Allele origin: germline.

Myriad Genetics, Inc.
Classification: Benign for Tuberous sclerosis 2. Last evaluated: 2025-05-20. Review status: criteria provided, single submitter. Criteria: Myriad Autosomal Dominant, Autosomal Recessive and X-Linked Classification Criteria (2023). Collection method: clinical testing. Allele origin: unknown.
Comment: This variant is considered benign. This variant is a silent/synonymous amino acid change and it is not expected to impact splicing.

Ambry Genetics
Classification: Likely benign for Hereditary cancer-predisposing syndrome. Last evaluated: 2022-07-12. Review status: criteria provided, single submitter. Criteria: Ambry Variant Classification Scheme 2023. Collection method: clinical testing. Allele origin: germline.

Genome-Nilou Lab
Classification: Benign for Tuberous sclerosis 2. Last evaluated: 2021-11-07. Review status: criteria provided, single submitter. Criteria: ACMG Guidelines, 2015. Collection method: clinical testing. Allele origin: germline. Affected: no.

GeneDx
Classification: Likely benign. Last evaluated: 2018-02-20. Review status: criteria provided, single submitter. Criteria: GeneDx Variant Classification (06012015). Collection method: clinical testing. Allele origin: germline. Affected: yes.
Comment: This variant is considered likely benign or benign based on one or more of the following criteria: it is a conservative change, it occurs at a poorly conserved position in the protein, it is predicted to be benign by multiple in silico algorithms, and/or has population frequency not consistent with disease.

NM_000548.5(TSC2):c.2601T>C (p.Ser867=)

Gene: TSC2 (TSC complex subunit 2; plus strand). Cytogenetic location: 16p13.3.
Variant type: single nucleotide variant.
Coding change: c.2601T>C on transcript NM_000548.5 (MANE Select); coding-DNA position 2601, T replaced by C.
Protein change: p.Ser867=; no amino-acid change (serine 867 retained).
Molecular consequence: synonymous variant.
Genome position (GRCh38, 1-based): chr16:2,075,854, T>C. VCF-style: chr16-2075854-T-C. GRCh37 (hg19) VCF-style: chr16-2125855-T-C.
Other names: c.2601T>C, p.Ser867= (NM_001077183.3, NM_001114382.3, NM_001363528.2 and 3 more transcripts); c.2490T>C, p.Ser830= (NM_001318827.2); c.2454T>C, p.Ser818= (NM_001318829.2); c.2001T>C, p.Ser667= (NM_001318831.2); c.2634T>C, p.Ser878= (NM_001318832.2).
Identifiers: ClinVar variation 237998 (VCV000237998.15), dbSNP rs878854086, ClinGen allele CA10583313.
Genomic context (GRCh38, chr16:2,075,854, plus strand): 5'-CGCAGCTCTGGCCAGGCTGCCGCACCTCTACAGGAACTTTGCCGCGGAGCAGTATGCCAG[T>C]GTGTTCGCCATCTCCCTGCCGTACACCAACCCCTCCAAGTGAGTGGTCGCCCCAGGCCCT-3'
Protein context (NP_000539.2, residues 857-877): YRNFAAEQYA[Ser867=]VFAISLPYTN